The following is an entry in ClinVar:

NM_003560.4(PLA2G6):c.2105C>G (p.Pro702Arg)

Gene: PLA2G6 (phospholipase A2 group VI; minus strand). Cytogenetic location: 22q13.1.
Variant type: single nucleotide variant.
Coding change: c.2105C>G on transcript NM_003560.4 (MANE Select); coding-DNA position 2105, C replaced by G.
Protein change: p.Pro702Arg; replaces proline 702 with arginine.
Molecular consequence: missense variant.
Genome position (GRCh38, 1-based): chr22:38,113,584, G>C on the plus strand (C>G on the coding strand, the complement: PLA2G6 is on the minus strand). VCF-style: chr22-38113584-G-C. GRCh37 (hg19) VCF-style: chr22-38509591-G-C.
Other names: c.1943C>G, p.Pro648Arg (NM_001004426.3, NM_001199562.3, NM_001349865.2 and 1 more transcripts); c.2105C>G, p.Pro702Arg (NM_001349864.2); c.1571C>G, p.Pro524Arg (NM_001349867.2); c.1427C>G, p.Pro476Arg (NM_001349868.2); c.1409C>G, p.Pro470Arg (NM_001349869.2); short protein forms P476R, P648R, P702R, P470R, P524R.
Identifiers: ClinVar variation 659115 (VCV000659115.6), dbSNP rs375566643, ClinGen allele CA10230603.
Genomic context (GRCh38, chr22:38,113,584, plus strand): 5'-AAAACAGTCTTGGCCAGCTCCCAGGGGTTGCTGGGACGGAAGACATCCACACAGGTCACA[G>C]GCACTTGTGGGGACCTCCCTGTCCCCAGGGAGACAACGATGGAGAGTTTCTTCACCTTGT-3'
Protein context (NP_003551.2, residues 692-712): SLGTGRSPQV[Pro702Arg]VTCVDVFRPS

ClinVar aggregate classification (germline): Uncertain significance (1 of 4 stars; one submission).

Conditions:
Infantile neuroaxonal dystrophy (NBIA2A). Also called: SEITELBERGER DISEASE; NEURODEGENERATION WITH BRAIN IRON ACCUMULATION 2A; Infantile neuroaxonal dystrophy 1. Identifiers: Orphanet 35069, MedGen C0270724, MONDO:0024457, OMIM 256600.

Allele frequency attached by ClinVar (database versions not stated): ExAC 0.00001; ESP Exome Variant Server 0.00008.

Submission:

Labcorp Genetics (formerly Invitae), Labcorp
Classification: Uncertain significance for Infantile neuroaxonal dystrophy. Last evaluated: 2022-07-11. Review status: criteria provided, single submitter. Criteria: Invitae Variant Classification Sherloc (09022015). Collection method: clinical testing. Allele origin: germline.
Comment: This sequence change replaces proline, which is neutral and non-polar, with arginine, which is basic and polar, at codon 702 of the PLA2G6 protein (p.Pro702Arg). This variant is not present in population databases (gnomAD no frequency). This variant has not been reported in the literature in individuals affected with PLA2G6-related conditions. ClinVar contains an entry for this variant (Variation ID: 659115). Advanced modeling of protein sequence and biophysical properties (such as structural, functional, and spatial information, amino acid conservation, physicochemical variation, residue mobility, and thermodynamic stability) performed at Invitae indicates that this missense variant is expected to disrupt PLA2G6 protein function. In summary, the available evidence is currently insufficient to determine the role of this variant in disease. Therefore, it has been classified as a Variant of Uncertain Significance.